The following is an entry in ClinVar:

NM_000419.5(ITGA2B):c.2602-3C>G

Gene: ITGA2B (integrin subunit alpha 2b; minus strand). Cytogenetic location: 17q21.31.
Variant type: single nucleotide variant.
Coding change: c.2602-3C>G on transcript NM_000419.5 (MANE Select); 3 bases into the intron before coding-DNA position 2602, C replaced by G.
Molecular consequence: intron variant.
Genome position (GRCh38, 1-based): chr17:44,375,719, G>C on the plus strand (C>G on the coding strand, the complement: ITGA2B is on the minus strand). VCF-style: chr17-44375719-G-C. GRCh37 (hg19) VCF-style: chr17-42453087-G-C.
Other names: IVS25AS, C-G, -3.
Identifiers: ClinVar variation 2893 (VCV000002893.13), dbSNP rs763330792, ClinGen allele CA10575472.

ClinVar aggregate classification (germline): Likely pathogenic. Review status: reviewed by expert panel (3 of 4 stars). 4 submissions from 4 submitters: Likely pathogenic (1). 3 of the submissions do not count toward it. Last evaluated 2023-09-07.

Conditions:
Glanzmann thrombasthenia 1 (GT1). Also called: GP IIb-IIIa COMPLEX DEFICIENCY; GLYCOPROTEIN COMPLEX IIb-IIIa DEFICIENCY; PLATELET FIBRINOGEN RECEPTOR DEFICIENCY; BLEEDING DISORDER, PLATELET-TYPE, 2. Identifiers: MedGen CN300358, MONDO:0031332, OMIM 273800.
Glanzmann thrombasthenia. Also called: Glanzmann's thrombasthenia; PLATELET GLYCOPROTEIN IIb-IIIa DEFICIENCY; THROMBASTHENIA OF GLANZMANN AND NAEGELI; Thrombasthenia. Identifiers: Orphanet 849, MedGen C0040015, MONDO:0100326.

Allele frequency attached by ClinVar (database versions not stated): gnomAD 0.00003.
gnomAD v4.1: 9 of 1,572,764 alleles (0.00057%); highest among the groups gnomAD compares: East Asian, 0.014%; no homozygotes.

Submissions (4):

ClinGen Platelet Disorders Variant Curation Expert Panel, ClinGen
Classification: Likely pathogenic for Glanzmann thrombasthenia. Last evaluated: 2023-09-07. Review status: reviewed by expert panel. Criteria: ClinGen Platelet ACMG Specifications v2-1. Collection method: curation. Allele origin: germline. Inheritance: Autosomal recessive inheritance.
Comment: The NM_000419.4:c.2602-3C>G variant is a splice region variant that is predicted to result in abnormal splicing and is shown to skip exon 26 in RNA studies from a patient (PMID: 1317725), resulting in an in-frame deletion of Val868 to Val909 (3.9% of the protein; PM4). It occurs at a low frequency in gnomADv2.1.1 with a MAF of 0.00006523 in the East Asian population (PM2_supporting). At least 3 compound heterozygous probands are reported in the literature, with the other variants being Leu973AlafsTer63, Leu214Pro, and Ala777Asp (PMID: 15748238, PMID: 27696190, PMID: 29675921; PM3). In summary, based on the available evidence at this time, the c.2602-3C>G variant is classified as likely pathogenic. GT-specific criteria applied: PM2_supporting, PM3, PM4, PP4_strong.

Women's Health and Genetics/Laboratory Corporation of America, LabCorp
Classification: Likely pathogenic for Glanzmann thrombasthenia 1. Last evaluated: 2026-03-12. Review status: criteria provided, single submitter. Criteria: LabCorp Variant Classification Summary - May 2015. Collection method: clinical testing. Allele origin: germline. Not counted in ClinVar's aggregate classification.
Comment: Variant summary: ITGA2B c.2602-3C>G alters a nucleotide located close to a canonical splice site and therefore could affect mRNA splicing, leading to a significantly altered protein sequence. Several computational tools predict a significant impact on normal splicing: One predict the variant abolishes a 3' acceptor site. Three predict the variant weakens a 3' acceptor site. At least one publication reports experimental evidence that this variant affects mRNA splicing and results in exon skipping and significantly decreased expression of the molecule (Kato_1992). The variant allele was found at a frequency of 5.5e-06 in 181340 control chromosomes. c.2602-3C>G has been observed in compound heterozygous genotype in individuals affected with Glanzmann thrombasthenia 1 (Kato_1992, Zhou_2018). These data indicate that the variant may be associated with disease. The following publications have been ascertained in the context of this evaluation (PMID: 1317725, 29675921). ClinVar contains an entry for this variant (Variation ID: 2893). Based on the evidence outlined above, the variant was classified as likely pathogenic.

Labcorp Genetics (formerly Invitae), Labcorp
Classification: Pathogenic for Glanzmann thrombasthenia. Last evaluated: 2022-09-26. Review status: criteria provided, single submitter. Criteria: Invitae Variant Classification Sherloc (09022015). Collection method: clinical testing. Allele origin: germline. Not counted in ClinVar's aggregate classification.
Comment: For these reasons, this variant has been classified as Pathogenic. Variants that disrupt the consensus splice site are a relatively common cause of aberrant splicing (PMID: 17576681, 9536098). Studies have shown that this variant results in skipping of exon 26, but is expected to preserve the integrity of the reading-frame (PMID: 1317725). ClinVar contains an entry for this variant (Variation ID: 2893). This variant has been observed in individual(s) with Glanzmann thrombasthenia (PMID: 1317725, 29675921). In at least one individual the data is consistent with being in trans (on the opposite chromosome) from a pathogenic variant. This variant is present in population databases (no rsID available, gnomAD 0.007%). This sequence change falls in intron 25 of the ITGA2B gene. It does not directly change the encoded amino acid sequence of the ITGA2B protein. RNA analysis indicates that this variant induces altered splicing and likely results in a shortened protein product.

OMIM
Classification: Pathogenic for GLANZMANN THROMBASTHENIA 1. Last evaluated: 1992-06-15. Review status: no assertion criteria provided. Collection method: literature only. Allele origin: germline. Not counted in ClinVar's aggregate classification.

Literature cited by the submitters: PubMed 29675921 (cited by Women's Health and Genetics/Laboratory Corporation of America, LabCorp and Labcorp Genetics (formerly Invitae), Labcorp); PubMed 1317725 (cited by 3 submitters); PubMed 17576681 (cited by Labcorp Genetics (formerly Invitae), Labcorp); PubMed 9536098 (cited by Labcorp Genetics (formerly Invitae), Labcorp).